The following is an entry in ClinVar:

NM_001365479.2(USP40):c.258C>T (p.Pro86=)

Gene: USP40 (ubiquitin specific peptidase 40; minus strand). Cytogenetic location: 2q37.1.
Variant type: single nucleotide variant.
Coding change: c.258C>T on transcript NM_001365479.2 (MANE Select); coding-DNA position 258, C replaced by T.
Protein change: p.Pro86=; no amino-acid change (proline 86 retained).
Molecular consequence: synonymous variant. On other transcripts: non-coding transcript variant (6).
Genome position (GRCh38, 1-based): chr2:233,562,745, G>A on the plus strand (C>T on the coding strand, the complement: USP40 is on the minus strand). VCF-style: chr2-233562745-G-A. GRCh37 (hg19) VCF-style: chr2-234471391-G-A.
Other names: c.258C>T, p.Pro86= (NM_001382295.1, NM_001382296.1, NM_001382297.1 and 6 more transcripts).
Identifiers: ClinVar variation 2652018 (VCV002652018.24), dbSNP rs999339009, ClinGen allele CA67569498.

ClinVar aggregate classification (germline): Likely benign (1 of 4 stars; one submission).

Allele frequency attached by ClinVar (database versions not stated): gnomAD exomes 0.00001.
gnomAD v4.1: 11 of 1,520,964 alleles (0.00072%); highest among the groups gnomAD compares: East Asian, 0.0025%; no homozygotes.

Submission:

CeGaT Center for Human Genetics Tuebingen
Classification: Likely benign. Last evaluated: 2022-03-01. Review status: criteria provided, single submitter. Criteria: CeGaT Center For Human Genetics Tuebingen Variant Classification Criteria Version 2. Collection method: clinical testing. Allele origin: germline. Affected: yes. Observed: 1 variant allele.
Comment: USP40: BP4, BP7